The following is an entry in ClinVar:

ClinVar aggregate classification (germline): Uncertain significance. Review status: criteria provided, multiple submitters, no conflicts (2 of 4 stars). 5 submissions from 5 submitters: Uncertain significance (4). 1 of the submissions does not count toward it. Last evaluated 2026-04-23.

Conditions:
Cohen syndrome (COH1). Also called: PEPPER SYNDROME; Cutis verticis gyrata, retinitis pigmentosa, and sensorineural deafness. Identifiers: Orphanet 193, MedGen C0265223, MONDO:0008999, OMIM 216550.
VPS13B-related disorder. Also called: VPS13B-related condition.
Inborn genetic diseases. Identifiers: MedGen C0950123, MeSH D030342.

Allele frequency attached by ClinVar (database versions not stated): gnomAD exomes below 0.00001 and 0.00001; gnomAD 0.00005; TOPMed 0.00008.
gnomAD v4.1: 22 of 1,613,930 alleles (0.0014%); highest among the groups gnomAD compares: Admixed American, 0.0083%; no homozygotes.

Submissions (5):

PreventionGenetics, part of Exact Sciences
Classification: Uncertain significance for VPS13B-related condition. Last evaluated: 2026-04-23. Review status: criteria provided, single submitter. Criteria: ACMG Guidelines, 2015. Collection method: clinical testing. Allele origin: germline.
Comment: The VPS13B c.10939G>A variant is predicted to result in the amino acid substitution p.Ala3647Thr. To our knowledge, this variant has not been reported in the literature. This variant is reported in 0.0040% of alleles in individuals of African descent in gnomAD. At this time, the clinical significance of this variant is uncertain due to the absence of conclusive functional and genetic evidence.

Ambry Genetics
Classification: Uncertain significance for Inborn genetic diseases. Last evaluated: 2023-11-21. Review status: criteria provided, single submitter. Criteria: Ambry Variant Classification Scheme 2023. Collection method: clinical testing. Allele origin: germline.

Labcorp Genetics (formerly Invitae), Labcorp
Classification: Uncertain significance for Cohen syndrome. Last evaluated: 2022-09-19. Review status: criteria provided, single submitter. Criteria: Invitae Variant Classification Sherloc (09022015). Collection method: clinical testing. Allele origin: germline.
Comment: This sequence change replaces alanine, which is neutral and non-polar, with threonine, which is neutral and polar, at codon 3672 of the VPS13B protein (p.Ala3672Thr). This variant is present in population databases (no rsID available, gnomAD 0.004%). This variant has not been reported in the literature in individuals affected with VPS13B-related conditions. ClinVar contains an entry for this variant (Variation ID: 576857). Advanced modeling of protein sequence and biophysical properties (such as structural, functional, and spatial information, amino acid conservation, physicochemical variation, residue mobility, and thermodynamic stability) performed at Invitae indicates that this missense variant is expected to disrupt VPS13B protein function. In summary, the available evidence is currently insufficient to determine the role of this variant in disease. Therefore, it has been classified as a Variant of Uncertain Significance.

Genetic Services Laboratory, University of Chicago
Classification: Uncertain significance. Last evaluated: 2021-07-26. Review status: criteria provided, single submitter. Criteria: ACMG Guidelines, 2015. Collection method: clinical testing. Allele origin: germline. Affected: no.
Comment: DNA sequence analysis of the VPS13 gene demonstrated a sequence change, c.11014G>A, in exon 57 that results in an amino acid change, p.Ala3672Thr. This sequence change has been described in the gnomAD database with a frequency of 0.004% in the African/African-American subpopulation (dbSNP rs868118584). The p.Ala3672Thr change affects a moderately conserved amino acid residue located in a domain of the VPS13B protein that is not known to be functional. In-silico pathogenicity prediction tools (SIFT, PolyPhen2, Align GVGD, REVEL) provide contradictory results for the p.Ala3672Thr substitution. This sequence change does not appear to have been previously described in individuals with VPS13B-related disorders. Due to insufficient evidences and the lack of functional studies, the clinical significance of the p.Ala3672Thr change remains unknown at this time.

Natera, Inc.
Classification: Uncertain significance for Cohen syndrome. Last evaluated: 2020-03-13. Review status: no assertion criteria provided. Collection method: clinical testing. Allele origin: germline. Not counted in ClinVar's aggregate classification.

NM_152564.5(VPS13B):c.10939G>A (p.Ala3647Thr)

Gene: VPS13B (vacuolar protein sorting 13 homolog B; plus strand). Cytogenetic location: 8q22.2.
Variant type: single nucleotide variant.
Coding change: c.10939G>A on transcript NM_152564.5 (MANE Select); coding-DNA position 10939, G replaced by A.
Protein change: p.Ala3647Thr; replaces alanine 3647 with threonine.
Molecular consequence: missense variant.
Genome position (GRCh38, 1-based): chr8:99,859,375, G>A. VCF-style: chr8-99859375-G-A. GRCh37 (hg19) VCF-style: chr8-100871603-G-A.
Other names: c.11014G>A (NM_017890.3); c.11014G>A, p.Ala3672Thr (NM_017890.5); c.10939G>A (NM_152564.4); short protein forms A3647T, A3672T.
Identifiers: ClinVar variation 576857 (VCV000576857.14), dbSNP rs868118584, ClinGen allele CA182318897.
Genomic context (GRCh38, chr8:99,859,375, plus strand): 5'-GGGTCTCTGGATATTCTTGGCAGCCCTGCAAGCCTGGTGAGAAGCATCGGGAACGGGGTC[G>A]CCGACTTCTTCAGGCTTCCGTATGAGGGGCTGACCCGGGGCCCTGGAGCCTTCGTGAGTG-3'
Protein context (NP_689777.3, residues 3637-3657): SLVRSIGNGV[Ala3647Thr]DFFRLPYEGL